The following is an entry in ClinVar:

NM_175875.5(SIX5):c.493C>G (p.Leu165Val)

Genes: DM1-AS (DM1 locus antisense RNA; plus strand), SIX5 (SIX homeobox 5; minus strand), LOC107075317 (origin of replication in DMPK trinucleotide repeat region; plus strand). Cytogenetic location: 19q13.32.
Variant type: single nucleotide variant.
Coding change: c.493C>G on transcript NM_175875.5 (MANE Select); coding-DNA position 493, C replaced by G.
Protein change: p.Leu165Val; replaces leucine 165 with valine.
Molecular consequence: missense variant.
Genome position (GRCh38, 1-based): chr19:45,768,352, G>C on the plus strand (C>G on the coding strand, the complement: SIX5 is on the minus strand). VCF-style: chr19-45768352-G-C. GRCh37 (hg19) VCF-style: chr19-46271610-G-C.
Other names: short protein forms L165V.
Identifiers: ClinVar variation 2884635 (VCV002884635.4), dbSNP rs368485758, ClinGen allele CA9520841.

ClinVar aggregate classification (germline): Uncertain significance. Review status: criteria provided, multiple submitters, no conflicts (2 of 4 stars). 2 submissions from 2 submitters: Uncertain significance (2). Last evaluated 2023-12-27.

Conditions:
Branchiootorenal syndrome 2 (BOR2). Identifiers: Orphanet 107, MedGen C1970479, MONDO:0012575, OMIM 610896.

gnomAD v4.1: 22 of 1,599,272 alleles (0.0014%); highest among the groups gnomAD compares: East Asian, 0.0045%; no homozygotes.

Submissions (2):

Fulgent Genetics
Classification: Uncertain significance for Branchiootorenal syndrome 2. Last evaluated: 2023-12-27. Review status: criteria provided, single submitter. Criteria: ACMG Guidelines, 2015. Collection method: clinical testing. Allele origin: germline.

Labcorp Genetics (formerly Invitae), Labcorp
Classification: Uncertain significance. Last evaluated: 2023-06-25. Review status: criteria provided, single submitter. Criteria: Invitae Variant Classification Sherloc (09022015). Collection method: clinical testing. Allele origin: germline.
Comment: In summary, the available evidence is currently insufficient to determine the role of this variant in disease. Therefore, it has been classified as a Variant of Uncertain Significance. Advanced modeling of protein sequence and biophysical properties (such as structural, functional, and spatial information, amino acid conservation, physicochemical variation, residue mobility, and thermodynamic stability) performed at Invitae indicates that this missense variant is expected to disrupt SIX5 protein function. This variant has not been reported in the literature in individuals affected with SIX5-related conditions. This variant is present in population databases (rs368485758, gnomAD 0.01%). This sequence change replaces leucine, which is neutral and non-polar, with valine, which is neutral and non-polar, at codon 165 of the SIX5 protein (p.Leu165Val).